The following is an entry in ClinVar:

ClinVar aggregate classification (germline): Benign/Likely benign. Review status: criteria provided, multiple submitters, no conflicts (2 of 4 stars). 8 submissions from 8 submitters: Benign (1); Likely benign (7). Last evaluated 2026-01-14.

Conditions:
Intrauterine growth retardation, metaphyseal dysplasia, adrenal hypoplasia congenita, genital anomalies, and immunodeficiency. Also called: IMAGEI SYNDROME. Identifiers: MedGen C5193036, MONDO:0032684, OMIM 618336.
Facial dysmorphism-immunodeficiency-livedo-short stature syndrome. Also called: Facial dysmorphism, immunodeficiency, livedo, and short stature; FILS syndrome. Identifiers: Orphanet 352712, MedGen C3554576, MONDO:0014058, OMIM 615139.
Colorectal cancer, susceptibility to, 12 (CRCS12). Also called: COLORECTAL CANCER, SUSCEPTIBILITY TO, ON CHROMOSOME 12q24. Identifiers: Orphanet 220460, MedGen C3554460, MONDO:0014038, OMIM 615083.
Hereditary cancer-predisposing syndrome. Also called: Neoplastic Syndromes, Hereditary; Hereditary neoplastic syndrome; Tumor predisposition; Hereditary Cancer Syndrome. Identifiers: Orphanet 140162, MedGen C0027672, MeSH D009386, MONDO:0015356.

Allele frequency attached by ClinVar (database versions not stated): gnomAD 0.00001; TOPMed 0.00002.
gnomAD v4.1: 15 of 1,614,026 alleles (0.00093%); highest among the groups gnomAD compares: African/African-American, 0.0013%; no homozygotes.

Submissions (8):

Labcorp Genetics (formerly Invitae), Labcorp
Classification: Likely benign. Last evaluated: 2026-01-14. Review status: criteria provided, single submitter. Criteria: Invitae Variant Classification Sherloc (09022015). Collection method: clinical testing. Allele origin: germline.

CeGaT Center for Human Genetics Tuebingen
Classification: Likely benign. Last evaluated: 2025-08-01. Review status: criteria provided, single submitter. Criteria: CeGaT Center For Human Genetics Tuebingen Variant Classification Criteria Version 2. Collection method: clinical testing. Allele origin: germline. Affected: yes. Observed: 1 variant allele.
Comment: POLE: BP4, BP7

Quest Diagnostics Nichols Institute San Juan Capistrano
Classification: Likely benign. Last evaluated: 2025-07-25. Review status: criteria provided, single submitter. Criteria: Quest Diagnostics criteria. Collection method: clinical testing. Allele origin: unknown.

Center for Genomic Medicine, Rigshospitalet, Copenhagen University Hospital
Classification: Likely benign. Last evaluated: 2025-03-04. Review status: criteria provided, single submitter. Criteria: ACMG Guidelines, 2015. Collection method: clinical testing. Allele origin: germline.

Myriad Genetics, Inc.
Classification: Benign for Colorectal cancer, susceptibility to, 12. Last evaluated: 2025-02-10. Review status: criteria provided, single submitter. Criteria: Myriad Autosomal Dominant, Autosomal Recessive and X-Linked Classification Criteria (2023). Collection method: clinical testing. Allele origin: unknown.
Comment: This variant is considered benign. This variant is a silent/synonymous amino acid change and it is not expected to impact splicing.

Department of Pathology and Laboratory Medicine, Sinai Health System
Classification: Likely benign for Colorectal cancer, susceptibility to, 12; Facial dysmorphism-immunodeficiency-livedo-short stature syndrome; Intrauterine growth retardation, metaphyseal dysplasia, adrenal hypoplasia congenita, genital anomalies, and immunodeficiency. Last evaluated: 2024-07-05. Review status: criteria provided, single submitter. Criteria: ACMG Guidelines, 2015. Collection method: clinical testing. Allele origin: germline.

GeneDx
Classification: Likely benign. Last evaluated: 2018-12-27. Review status: criteria provided, single submitter. Criteria: GeneDx Variant Classification Process June 2021. Collection method: clinical testing. Allele origin: germline. Affected: yes.

Ambry Genetics
Classification: Likely benign for Hereditary cancer-predisposing syndrome. Last evaluated: 2015-07-01. Review status: criteria provided, single submitter. Criteria: Ambry Variant Classification Scheme 2023. Collection method: clinical testing. Allele origin: germline.

NM_006231.4(POLE):c.1197G>A (p.Ala399=)

Gene: POLE (DNA polymerase epsilon, catalytic subunit; minus strand). Cytogenetic location: 12q24.33.
Variant type: single nucleotide variant.
Coding change: c.1197G>A on transcript NM_006231.4 (MANE Select); coding-DNA position 1197, G replaced by A.
Protein change: p.Ala399=; no amino-acid change (alanine 399 retained).
Molecular consequence: synonymous variant.
Genome position (GRCh38, 1-based): chr12:132,675,427, C>T on the plus strand (G>A on the coding strand, the complement: POLE is on the minus strand). VCF-style: chr12-132675427-C-T. GRCh37 (hg19) VCF-style: chr12-133252013-C-T.
Identifiers: ClinVar variation 384053 (VCV000384053.31), dbSNP rs1000162996, ClinGen allele CA16607166.